The following is an entry in ClinVar:

ClinVar aggregate classification (germline): Uncertain significance (1 of 4 stars; one submission).

Allele frequency attached by ClinVar (database versions not stated): TOPMed below 0.00001; gnomAD 0.00001; gnomAD exomes 0.00001; ExAC 0.00002.

Submission:

Labcorp Genetics (formerly Invitae), Labcorp
Classification: Uncertain significance. Last evaluated: 2026-01-06. Review status: criteria provided, single submitter. Criteria: Invitae Variant Classification Sherloc (09022015). Collection method: clinical testing. Allele origin: germline.
Comment: This sequence change replaces tyrosine, which is neutral and polar, with histidine, which is basic and polar, at codon 69 of the FKBP10 protein (p.Tyr69His). This variant is present in population databases (rs782582355, gnomAD 0.007%). This variant has not been reported in the literature in individuals affected with FKBP10-related conditions. ClinVar contains an entry for this variant (Variation ID: 1448450). Invitae Evidence Modeling of protein sequence and biophysical properties (such as structural, functional, and spatial information, amino acid conservation, physicochemical variation, residue mobility, and thermodynamic stability) indicates that this missense variant is not expected to disrupt FKBP10 protein function with a negative predictive value of 80%. In summary, the available evidence is currently insufficient to determine the role of this variant in disease. Therefore, it has been classified as a Variant of Uncertain Significance.

NM_021939.4(FKBP10):c.205T>C (p.Tyr69His)

Gene: FKBP10 (FKBP prolyl isomerase 10; plus strand). Cytogenetic location: 17q21.2.
Variant type: single nucleotide variant.
Coding change: c.205T>C on transcript NM_021939.4 (MANE Select); coding-DNA position 205, T replaced by C.
Protein change: p.Tyr69His; replaces tyrosine 69 with histidine.
Molecular consequence: missense variant.
Genome position (GRCh38, 1-based): chr17:41,813,239, T>C. VCF-style: chr17-41813239-T-C. GRCh37 (hg19) VCF-style: chr17-39969491-T-C.
Other names: short protein forms Y69H.
Identifiers: ClinVar variation 1448450 (VCV001448450.6), dbSNP rs782582355, ClinGen allele CA8566133.
Genomic context (GRCh38, chr17:41,813,239, plus strand): 5'-TACCACATCCCCAGGGCCTGTCCCCGGGAAGTGCAGATGGGGGATTTTGTGCGCTACCAC[T>C]ACAACGGCACTTTTGAAGATGGCAAGAAGTTTGATTCAAGGTAACCCCGGTTGGGCGCCC-3'
Protein context (NP_068758.3, residues 59-79): VQMGDFVRYH[Tyr69His]NGTFEDGKKF